The following is an entry in ClinVar:

ClinVar aggregate classification (germline): Pathogenic (1 of 4 stars; one submission).

Conditions:
Treacher Collins syndrome 1 (TCS1). Also called: TCOF1-Related Treacher Collins Syndrome. Identifiers: Orphanet 861, MedGen CN315775, MONDO:0007944, OMIM 154500.

Submission:

Labcorp Genetics (formerly Invitae), Labcorp
Classification: Pathogenic for Treacher Collins syndrome 1. Last evaluated: 2018-07-27. Review status: criteria provided, single submitter. Criteria: Invitae Variant Classification Sherloc (09022015). Collection method: clinical testing. Allele origin: unknown.
Comment: This variant is a gross deletion of the genomic region encompassing exons 25-26 and part of exon 24 (c.4128_*20del) of the TCOF1 gene. While this is not anticipated to result in nonsense mediated decay, it likely alters RNA splicing and results in a disrupted protein product. For these reasons, this variant has been classified as Pathogenic. This variant disrupts the nuclear localization domain of the TCOF1 protein, and experimental studies have shown that deletion of these residues leads to mislocalization of the protein in cell culture-based assays (PMID: 9811939, 9736782). While functional studies have not been performed to directly test the effect of this variant on TCOF1 protein function, this suggests that disruption of this region of the protein is causative of disease.

Literature cited by the submitters: PubMed 9811939; PubMed 9736782.

NC_000005.9:g.(?_149776191)_(149778631_?)del

Gene: TCOF1 (treacle ribosome biogenesis factor 1; plus strand). Cytogenetic location: 5q32.
Variant type: Deletion.
Identifiers: ClinVar variation 3246423 (VCV003246423.1).